The following is an entry in ClinVar:

NM_005458.8(GABBR2):c.1542G>A (p.Met514Ile)

Gene: GABBR2 (gamma-aminobutyric acid type B receptor subunit 2; minus strand). Cytogenetic location: 9q22.33.
Variant type: single nucleotide variant.
Coding change: c.1542G>A on transcript NM_005458.8 (MANE Select); coding-DNA position 1542, G replaced by A.
Protein change: p.Met514Ile; replaces methionine 514 with isoleucine.
Molecular consequence: missense variant.
Genome position (GRCh38, 1-based): chr9:98,385,760, C>T on the plus strand (G>A on the coding strand, the complement: GABBR2 is on the minus strand). VCF-style: chr9-98385760-C-T. GRCh37 (hg19) VCF-style: chr9-101148042-C-T.
Other names: c.1542G>A (NM_005458.7); short protein forms M514I.
Identifiers: ClinVar variation 2745596 (VCV002745596.4), dbSNP rs146968546, ClinGen allele CA374211063.

ClinVar aggregate classification (germline): Uncertain significance. Review status: criteria provided, multiple submitters, no conflicts (2 of 4 stars). 2 submissions from 2 submitters: Uncertain significance (2). Last evaluated 2025-10-27.

Conditions:
Inborn genetic diseases. Identifiers: MedGen C0950123, MeSH D030342.
Epileptic encephalopathy. Identifiers: MedGen C0543888, HP:0200134.

Allele frequency attached by ClinVar (database versions not stated): gnomAD exomes below 0.00001.
gnomAD v4.1: 1 of 1,609,834 alleles (0.000062%); highest among the groups gnomAD compares: Non-Finnish European, 0.000085%; no homozygotes.

Submissions (2):

Ambry Genetics
Classification: Uncertain significance for Inborn genetic diseases. Last evaluated: 2025-10-27. Review status: criteria provided, single submitter. Criteria: Ambry Variant Classification Scheme 2023. Collection method: clinical testing. Allele origin: germline.

Labcorp Genetics (formerly Invitae), Labcorp
Classification: Uncertain significance for Epileptic encephalopathy. Last evaluated: 2023-07-21. Review status: criteria provided, single submitter. Criteria: Invitae Variant Classification Sherloc (09022015). Collection method: clinical testing. Allele origin: germline.
Comment: This sequence change replaces methionine, which is neutral and non-polar, with isoleucine, which is neutral and non-polar, at codon 514 of the GABBR2 protein (p.Met514Ile). In summary, the available evidence is currently insufficient to determine the role of this variant in disease. Therefore, it has been classified as a Variant of Uncertain Significance. Advanced modeling of protein sequence and biophysical properties (such as structural, functional, and spatial information, amino acid conservation, physicochemical variation, residue mobility, and thermodynamic stability) performed at Invitae indicates that this missense variant is not expected to disrupt GABBR2 protein function. This variant has not been reported in the literature in individuals affected with GABBR2-related conditions. This variant is not present in population databases (gnomAD no frequency).